The following is an entry in ClinVar:

NM_000352.6(ABCC8):c.2522G>A (p.Arg841Gln)

Gene: ABCC8 (ATP binding cassette subfamily C member 8; minus strand). Cytogenetic location: 11p15.1.
Variant type: single nucleotide variant.
Coding change: c.2522G>A on transcript NM_000352.6 (MANE Select); coding-DNA position 2522, G replaced by A.
Protein change: p.Arg841Gln; replaces arginine 841 with glutamine.
Molecular consequence: missense variant. On other transcripts: non-coding transcript variant (1).
Genome position (GRCh38, 1-based): chr11:17,412,700, C>T on the plus strand (G>A on the coding strand, the complement: ABCC8 is on the minus strand). VCF-style: chr11-17412700-C-T. GRCh37 (hg19) VCF-style: chr11-17434247-C-T.
Other names: c.2525G>A, p.Arg842Gln (NM_001287174.3); c.2588G>A, p.Arg863Gln (NM_001351295.2); c.2522G>A, p.Arg841Gln (NM_001351296.2); c.2519G>A, p.Arg840Gln (NM_001351297.2); short protein forms R841Q, R842Q, R863Q, R840Q.
Identifiers: ClinVar variation 554121 (VCV000554121.20), dbSNP rs547150342, ClinGen allele CA5903102.

ClinVar aggregate classification (germline): Conflicting classifications of pathogenicity. Review status: criteria provided, conflicting classifications (1 of 4 stars). 10 submissions from 9 submitters: Pathogenic (1); Likely pathogenic (6); Uncertain risk allele (2). 1 of the submissions does not count toward it. Last evaluated 2025-09-08.

Conditions:
Familial hyperinsulinism. Also called: Congenital hyperinsulinism. Identifiers: Orphanet 276525, MedGen C3888018, MONDO:0017182. Disease mechanism: loss of function.
Neonatal diabetes mellitus (NDM). Identifiers: Orphanet 224, MedGen C0158981, MONDO:0016391.
Hyperinsulinemic hypoglycemia, familial, 1 (HHF1). Also called: HYPERINSULINISM, FAMILIAL, WITH PANCREATIC NESIDIOBLASTOSIS; HYPOGLYCEMIA, HYPERINSULINEMIC, OF INFANCY; Persistent hyperinsulinemic hypoglycemia of infancy; NESIDIOBLASTOSIS OF PANCREAS; Persistent Hyperinsulinemia Hypoglycemia of Infancy. Identifiers: Orphanet 276575, Orphanet 276598, MedGen C2931832, MONDO:0009734, OMIM 256450.
Diabetes mellitus, transient neonatal, 2 (TNDM2). Identifiers: Orphanet 99886, MedGen C1835887, MONDO:0012480, OMIM 610374. Disease mechanism: loss of function.
Diabetes mellitus, permanent neonatal 3. Also called: ABCC8-Related Permanent Neonatal Diabetes Mellitus. Identifiers: MedGen C5394303, MONDO:0030088, OMIM 618857.
Leucine-induced hypoglycemia (LIH). Also called: LEUCINE-SENSITIVE HYPOGLYCEMIA OF INFANCY. Identifiers: MedGen C0271714, MONDO:0009415, OMIM 240800.
Type 2 diabetes mellitus. Also called: Type II diabetes mellitus. Identifiers: MedGen C0011860, MeSH D003924, MONDO:0005148, OMIM 125853, HP:0005978.
Maturity-onset diabetes of the young (MODY). Also called: Maturity onset diabetes mellitus in young. Identifiers: Orphanet 552, MedGen C0342276, MONDO:0018911, HP:0004904.
Hereditary hyperinsulinism.

Allele frequency attached by ClinVar (database versions not stated): 1000 Genomes Project 30x 0.00016; 1000 Genomes Project 0.00020; ExAC 0.00001; gnomAD 0.00001; gnomAD exomes 0.00001.
gnomAD v4.1: 4 of 1,611,924 alleles (0.00025%); highest among the groups gnomAD compares: South Asian, 0.0022%; no homozygotes.

Submissions (10):

Natera, Inc.
Classification: Likely pathogenic for Hereditary hyperinsulinism. Last evaluated: 2025-09-08. Review status: criteria provided, single submitter. Criteria: Natera Variant Classification Schema (03/2026). Collection method: clinical testing. Allele origin: germline.
Comment: The c.2522G>A variant in ABCC8 is a missense variant predicted to cause substitution of arginine to glutamine at amino acid 841. This variant is rare in the general population with a frequency below the threshold expected for the associated phenotype(s). This variant has been observed to segregate in affected family members (PMID: 39153498). A different variant at the same position has been determined to be Pathogenic or Likely Pathogenic. Computational prediction algorithms indicate this variant is likely to affect gene or protein function. Given the available evidence, this variant is classified as Likely Pathogenic.

Women's Health and Genetics/Laboratory Corporation of America, LabCorp
Classification: Likely pathogenic for Familial hyperinsulinism. Last evaluated: 2025-06-24. Review status: criteria provided, single submitter. Criteria: LabCorp Variant Classification Summary - May 2015. Collection method: clinical testing. Allele origin: germline.
Comment: Variant summary: ABCC8 c.2522G>A (p.Arg841Gln) results in a conservative amino acid change in the encoded protein sequence. Algorithms developed to predict the effect of missense changes on protein structure and function are either unavailable or do not agree on the potential impact of this missense change. The frequency data for this variant in gnomAD is considered unreliable, as metrics indicate poor data quality at this position. c.2522G>A has been observed at a heterozygous state, paternally inherited, in one individual affected with diazoxide-unresponsive congenital hyperinsulinism and loss of maternal heterozygosity was noted in the pancreatic tissue (Banerjee_2011), and was also reported at a compound heterozygous with a second pathogenic variant in an individual affected with autosomal recessive ABCC8-associated hyperinsulinism (Stringer_2024). These data indicate that the variant may be associated with disease. To our knowledge, no experimental evidence demonstrating an impact on protein function has been reported. At least one variant at the Arg841 residue has been reported as Likely Pathogenic (p.Arg841Gly), suggesting that this codon is functionally important. These data indicate that the variant is very likely to be associated with disease. The following publications have been ascertained in the context of this evaluation (PMID: 21378087, 39153498). ClinVar contains an entry for this variant (Variation ID: 554121). Based on the evidence outlined above, the variant was classified as likely pathogenic.

Clinical Genomics, Uppaluri K&H Personalized Medicine Clinic
Classification: Uncertain risk allele for Maturity-onset diabetes of the young. Last evaluated: 2024-05-29. Review status: criteria provided, single submitter. Criteria: K & H Uppaluri Personalized Medicine Clinic Variant Classification & Assertion Criteria_Updated V.1. Collection method: research. Allele origin: somatic. Inheritance: Somatic mutation.
Comment: Mutations in ABCC8 gene are associated with both neonatal diabetes mellitus as well as MODY. Patients with this mutation may have a better response to sulfonylureas. However, no sufficient evidence is found to ascertain the role of this particular variant ( rs547150342) in MODY yet. This variant is found to be a potent moderate impact, deleterious variant with a CADD score of 29.8 and sufficient scientific evidence to support gene-disease correlation. However, since this is not a high impact variant and has no variant evidence, this variant is reclassified as Uncertain Risk Allele

Clinical Genomics, Uppaluri K&H Personalized Medicine Clinic
Classification: Uncertain risk allele for Neonatal diabetes mellitus. Last evaluated: 2024-05-27. Review status: criteria provided, single submitter. Criteria: K And H Uppaluri Personalized Medicine Clinic Variant Classification And Assertion Criteria Updated V 2. Collection method: research. Allele origin: unknown.
Comment: This variant is found to be a potent moderate impact, variant with a CADD score of 29.8 and sufficient scientific evidence of gene-disease correlation. However, since this is not a high impact variant and no variant evidence, this variant is reclassified as Uncertain risk allele.

Fulgent Genetics
Classification: Likely pathogenic for Type 2 diabetes mellitus; Leucine-induced hypoglycemia; Hyperinsulinemic hypoglycemia, familial, 1; Diabetes mellitus, transient neonatal, 2; Diabetes mellitus, permanent neonatal 3. Last evaluated: 2024-03-01. Review status: criteria provided, single submitter. Criteria: ACMG Guidelines, 2015. Collection method: clinical testing. Allele origin: germline.

Baylor Genetics
Classification: Likely pathogenic for Type 2 diabetes mellitus. Last evaluated: 2023-05-20. Review status: criteria provided, single submitter. Criteria: ACMG Guidelines, 2015. Collection method: clinical testing. Allele origin: unknown.

Labcorp Genetics (formerly Invitae), Labcorp
Classification: Pathogenic. Last evaluated: 2022-05-13. Review status: criteria provided, single submitter. Criteria: Invitae Variant Classification Sherloc (09022015). Collection method: clinical testing. Allele origin: germline.
Comment: For these reasons, this variant has been classified as Pathogenic. This variant disrupts the p.Arg841 amino acid residue in ABCC8. Other variant(s) that disrupt this residue have been observed in individuals with ABCC8-related conditions (PMID: 11395395, 32202736), which suggests that this may be a clinically significant amino acid residue. Advanced modeling of protein sequence and biophysical properties (such as structural, functional, and spatial information, amino acid conservation, physicochemical variation, residue mobility, and thermodynamic stability) performed at Invitae indicates that this missense variant is expected to disrupt ABCC8 protein function. ClinVar contains an entry for this variant (Variation ID: 554121). This variant is also known as c.2525G>A p.Arg842Gln. This missense change has been observed in individuals with clinical features of autosomal recessive diffuse or paternally inherited focal hyperinsulinism (PMID: 21378087, 24686051). This variant is not present in population databases (gnomAD no frequency). This sequence change replaces arginine, which is basic and polar, with glutamine, which is neutral and polar, at codon 841 of the ABCC8 protein (p.Arg841Gln).

Diagnostics Services (NGS), CSIR - Centre For Cellular And Molecular Biology
Classification: Likely pathogenic for Hyperinsulinemic hypoglycemia, familial, 1. Last evaluated: 2020-01-13. Review status: criteria provided, single submitter. Criteria: ACMG Guidelines, 2015. Collection method: clinical testing. Allele origin: germline. Inheritance: Autosomal recessive inheritance. Affected: yes. Observed: 1 homozygote.
Comment: The NM_000352.6:c.2522G>A variant is not present in publicly available database, Exome Variant Server (EVS). The variant is present in 1000 Genomes, Exome Aggregation Consortium (ExAC), Genome Aggregation Database (gnomAD) and dbSNP at a very low frequency (MAF<=0.0001) in heterozygous state. The variant is not present in our in-house exome database. The variant was earlier reported to Human Genome Mutation database (HGMD ID: CM112697) in other similarly affected individuals [Banerjee et al., Eur J Endocrinol 2011]. In-silico pathogenicity prediction programs like SIFT, Polyphen2, MutationTaster2, CADD etc. predicted this variant as likely deleterious. Hence as per ACMG guidelines the variant has been classified as likely pathogenic.

Institute of Human Genetics, University of Leipzig Medical Center
Classification: Likely pathogenic for Hyperinsulinemic hypoglycemia, familial, 1. Last evaluated: 2019-01-01. Review status: criteria provided, single submitter. Criteria: ACMG Guidelines, 2015. Collection method: clinical testing. Allele origin: unknown. Affected: yes.

Counsyl
Classification: Uncertain significance for Hyperinsulinemic hypoglycemia, familial, 1. Last evaluated: 2017-09-26. Review status: no assertion criteria provided. Collection method: clinical testing. Allele origin: unknown. Not counted in ClinVar's aggregate classification.

Literature cited by the submitters: PubMed 39153498 (cited by Natera, Inc. and Women's Health and Genetics/Laboratory Corporation of America, LabCorp); PubMed 21378087 (cited by 3 submitters); PubMed 31216263 (cited by Clinical Genomics, Uppaluri K&H Personalized Medicine Clinic); PubMed 38095268 (cited by Clinical Genomics, Uppaluri K&H Personalized Medicine Clinic); PubMed 38513803 (cited by Clinical Genomics, Uppaluri K&H Personalized Medicine Clinic); PubMed 32376986 (cited by Clinical Genomics, Uppaluri K&H Personalized Medicine Clinic); PubMed 20922570 (cited by Clinical Genomics, Uppaluri K&H Personalized Medicine Clinic); PubMed 17389331 (cited by Clinical Genomics, Uppaluri K&H Personalized Medicine Clinic); PubMed 17919176 (cited by Clinical Genomics, Uppaluri K&H Personalized Medicine Clinic); PubMed 21738553 (cited by Clinical Genomics, Uppaluri K&H Personalized Medicine Clinic); PubMed 33013711 (cited by Clinical Genomics, Uppaluri K&H Personalized Medicine Clinic); PubMed 11395395 (cited by Labcorp Genetics (formerly Invitae), Labcorp); PubMed 32202736 (cited by Labcorp Genetics (formerly Invitae), Labcorp); PubMed 24686051 (cited by Labcorp Genetics (formerly Invitae), Labcorp and Counsyl).